The following is an entry in ClinVar:

ClinVar aggregate classification (germline): Uncertain significance (1 of 4 stars; one submission).

Conditions:
Autosomal recessive ataxia, Beauce type. Also called: ATAXIA, RECESSIVE, OF BEAUCE; Spinocerebellar ataxia, autosomal recessive 8; SYNE1-Related Autosomal Recessive Cerebellar Ataxia; SYNE1 Deficiency. Identifiers: Orphanet 88644, MedGen C1853116, MONDO:0012549, OMIM 610743.
Emery-Dreifuss muscular dystrophy 4, autosomal dominant (EDMD4). Also called: EMERY-DREIFUSS MUSCULAR DYSTROPHY 4 WITH VARIABLE FEATURES. Identifiers: Orphanet 261, MedGen C2751807, MONDO:0013071, OMIM 612998.

Allele frequency attached by ClinVar (database versions not stated): gnomAD exomes 0.00001 and 0.00002; gnomAD 0.00002; TOPMed 0.00004; ESP Exome Variant Server 0.00008.

Submission:

Labcorp Genetics (formerly Invitae), Labcorp
Classification: Uncertain significance for Emery-Dreifuss muscular dystrophy 4, autosomal dominant; Autosomal recessive ataxia, Beauce type. Last evaluated: 2022-07-26. Review status: criteria provided, single submitter. Criteria: Invitae Variant Classification Sherloc (09022015). Collection method: clinical testing. Allele origin: germline.
Comment: This sequence change replaces valine, which is neutral and non-polar, with isoleucine, which is neutral and non-polar, at codon 2489 of the SYNE1 protein (p.Val2489Ile). In summary, the available evidence is currently insufficient to determine the role of this variant in disease. Therefore, it has been classified as a Variant of Uncertain Significance. Algorithms developed to predict the effect of missense changes on protein structure and function (SIFT, PolyPhen-2, Align-GVGD) all suggest that this variant is likely to be disruptive. ClinVar contains an entry for this variant (Variation ID: 1019968). This variant has not been reported in the literature in individuals affected with SYNE1-related conditions. This variant is present in population databases (rs375687383, gnomAD 0.008%).

NM_182961.4(SYNE1):c.7444G>A (p.Val2482Ile)

Gene: SYNE1 (spectrin repeat containing nuclear envelope protein 1; minus strand). Cytogenetic location: 6q25.2.
Variant type: single nucleotide variant.
Coding change: c.7444G>A on transcript NM_182961.4 (MANE Select); coding-DNA position 7444, G replaced by A.
Protein change: p.Val2482Ile; replaces valine 2482 with isoleucine.
Molecular consequence: missense variant.
Genome position (GRCh38, 1-based): chr6:152,396,887, C>T on the plus strand (G>A on the coding strand, the complement: SYNE1 is on the minus strand). VCF-style: chr6-152396887-C-T. GRCh37 (hg19) VCF-style: chr6-152718022-C-T.
Other names: c.7465G>A, p.Val2489Ile (NM_033071.5); short protein forms V2482I, V2489I.
Identifiers: ClinVar variation 1019968 (VCV001019968.8), dbSNP rs375687383, ClinGen allele CA150194863.